The following is an entry in ClinVar:

NM_000059.4(BRCA2):c.3038C>T (p.Ser1013Leu)

Gene: BRCA2 (BRCA2 DNA repair associated; plus strand). Cytogenetic location: 13q13.1.
Variant type: single nucleotide variant.
Coding change: c.3038C>T on transcript NM_000059.4 (MANE Select); coding-DNA position 3038, C replaced by T.
Protein change: p.Ser1013Leu; replaces serine 1013 with leucine.
Molecular consequence: missense variant. On other transcripts: non-coding transcript variant (1), intron variant (2).
Genome position (GRCh38, 1-based): chr13:32,337,393, C>T. VCF-style: chr13-32337393-C-T. GRCh37 (hg19) VCF-style: chr13-32911530-C-T.
Other names: c.3038C>T, p.Ser1013Leu (NM_001406719.1, NM_001406720.1, NM_001432077.1); c.1909+4006C>T (NM_001406721.1); c.424+6363C>T (NM_001406722.1); short protein forms S1013L.
Identifiers: ClinVar variation 3636448 (VCV003636448.2).

ClinVar aggregate classification (germline): Uncertain significance (1 of 4 stars; one submission).

Conditions:
Hereditary breast ovarian cancer syndrome. Also called: Hereditary breast and ovarian cancer syndrome; Hereditary breast and ovarian cancer syndrome (HBOC); BRCA1- and BRCA2-Associated Hereditary Breast and Ovarian Cancer; Hereditary breast and ovarian cancer; Breast and ovarian cancer; Hereditary breast and/or ovarian cancer syndrome. Identifiers: Orphanet 145, MedGen C0677776, MeSH D061325, MONDO:0003582. Disease mechanism: loss of function.

Submission:

Labcorp Genetics (formerly Invitae), Labcorp
Classification: Uncertain significance for Hereditary breast ovarian cancer syndrome. Last evaluated: 2024-08-28. Review status: criteria provided, single submitter. Criteria: Invitae Variant Classification Sherloc (09022015). Collection method: clinical testing. Allele origin: germline.
Comment: This sequence change replaces serine, which is neutral and polar, with leucine, which is neutral and non-polar, at codon 1013 of the BRCA2 protein (p.Ser1013Leu). This variant is not present in population databases (gnomAD no frequency). This variant has not been reported in the literature in individuals affected with BRCA2-related conditions. Invitae Evidence Modeling of protein sequence and biophysical properties (such as structural, functional, and spatial information, amino acid conservation, physicochemical variation, residue mobility, and thermodynamic stability) indicates that this missense variant is not expected to disrupt BRCA2 protein function with a negative predictive value of 95%. In summary, the available evidence is currently insufficient to determine the role of this variant in disease. Therefore, it has been classified as a Variant of Uncertain Significance.